The following is an entry in ClinVar:

NM_152281.3(GORAB):c.24C>G (p.Phe8Leu)

Genes: GORAB (golgin, RAB6 interacting; plus strand), GORAB-AS1 (GORAB antisense RNA 1; minus strand). Cytogenetic location: 1q24.2.
Variant type: single nucleotide variant.
Coding change: c.24C>G on transcript NM_152281.3 (MANE Select); coding-DNA position 24, C replaced by G.
Protein change: p.Phe8Leu; replaces phenylalanine 8 with leucine.
Molecular consequence: missense variant. On other transcripts: 5 prime UTR variant (1), non-coding transcript variant (1).
Genome position (GRCh38, 1-based): chr1:170,532,247, C>G. VCF-style: chr1-170532247-C-G. GRCh37 (hg19) VCF-style: chr1-170501388-C-G.
Other names: c.24C>G, p.Phe8Leu (NM_001146039.2); c.-742C>G (NM_001320252.2); short protein forms F33L, F8L.
Identifiers: ClinVar variation 293648 (VCV000293648.8), dbSNP rs151006839, ClinGen allele CA1238994.

ClinVar aggregate classification (germline): Uncertain significance. Review status: criteria provided, multiple submitters, no conflicts (2 of 4 stars). 3 submissions from 3 submitters: Uncertain significance (3). Last evaluated 2023-04-11.

Conditions:
Geroderma osteodysplastica (GO). Also called: WALT DISNEY DWARFISM; Geroderma osteodysplasticum. Identifiers: Orphanet 2078, MedGen C0432255, MONDO:0009271, OMIM 231070.

Allele frequency attached by ClinVar (database versions not stated): gnomAD 0.00002 and 0.00003; TOPMed 0.00003; ESP Exome Variant Server 0.00008; ExAC 0.00009; gnomAD exomes 0.00010.

Submissions (3):

Genome-Nilou Lab
Classification: Uncertain significance for Geroderma osteodysplastica. Last evaluated: 2023-04-11. Review status: criteria provided, single submitter. Criteria: ACMG Guidelines, 2015. Collection method: clinical testing. Allele origin: germline. Affected: no.

Labcorp Genetics (formerly Invitae), Labcorp
Classification: Uncertain significance. Last evaluated: 2022-08-21. Review status: criteria provided, single submitter. Criteria: Invitae Variant Classification Sherloc (09022015). Collection method: clinical testing. Allele origin: germline.
Comment: This sequence change replaces phenylalanine, which is neutral and non-polar, with leucine, which is neutral and non-polar, at codon 33 of the GORAB protein (p.Phe33Leu). This variant is present in population databases (rs151006839, gnomAD 0.2%). This variant has not been reported in the literature in individuals affected with GORAB-related conditions. ClinVar contains an entry for this variant (Variation ID: 293648). Algorithms developed to predict the effect of missense changes on protein structure and function are either unavailable or do not agree on the potential impact of this missense change (SIFT: "Deleterious"; PolyPhen-2: "Probably Damaging"; Align-GVGD: "Class C0"). In summary, the available evidence is currently insufficient to determine the role of this variant in disease. Therefore, it has been classified as a Variant of Uncertain Significance.

Illumina Laboratory Services, Illumina
Classification: Uncertain significance for Geroderma osteodysplastica. Last evaluated: 2018-01-13. Review status: criteria provided, single submitter. Criteria: ICSL Variant Classification Criteria 13 December 2019. Collection method: clinical testing. Allele origin: germline.